The following is an entry in ClinVar:

NM_001267550.2(TTN):c.40634-5T>C

Gene: TTN (titin; minus strand). Cytogenetic location: 2q31.2.
Variant type: single nucleotide variant.
Coding change: c.40634-5T>C on transcript NM_001267550.2 (MANE Select); 5 bases into the intron before coding-DNA position 40634, T replaced by C.
Molecular consequence: intron variant.
Genome position (GRCh38, 1-based): chr2:178,640,635, A>G on the plus strand (T>C on the coding strand, the complement: TTN is on the minus strand). VCF-style: chr2-178640635-A-G. GRCh37 (hg19) VCF-style: chr2-179505362-A-G.
Other names: c.13439-5T>C (NM_003319.4); c.14015-5T>C (NM_133437.4); c.13814-5T>C (NM_133432.3); c.32930-5T>C (NM_133378.4); c.35711-5T>C (NM_001256850.1).
Identifiers: ClinVar variation 594789 (VCV000594789.10), dbSNP rs904821775, ClinGen allele CA913189562.

ClinVar aggregate classification (germline): Conflicting classifications of pathogenicity. Review status: criteria provided, conflicting classifications (1 of 4 stars). 3 submissions from 3 submitters: Uncertain significance (2); Likely benign (1). Last evaluated 2023-11-01.

Conditions:
Cardiovascular phenotype. Identifiers: MedGen CN230736.
Dilated cardiomyopathy 1G (CMD1G). Identifiers: Orphanet 154, MedGen C1858763, MONDO:0011400, OMIM 604145.
Autosomal recessive limb-girdle muscular dystrophy type 2J (LGMDR10). Also called: MUSCULAR DYSTROPHY, LIMB-GIRDLE, AUTOSOMAL RECESSIVE 10; Limb-girdle muscular dystrophy, type 2J. Identifiers: Orphanet 140922, MedGen C1837342, MONDO:0012127, OMIM 608807.

Submissions (3):

Labcorp Genetics (formerly Invitae), Labcorp
Classification: Likely benign for Dilated cardiomyopathy 1G; Autosomal recessive limb-girdle muscular dystrophy type 2J. Last evaluated: 2023-11-01. Review status: criteria provided, single submitter. Criteria: Invitae Variant Classification Sherloc (09022015). Collection method: clinical testing. Allele origin: germline.

Ambry Genetics
Classification: Uncertain significance for Cardiovascular phenotype. Last evaluated: 2021-07-26. Review status: criteria provided, single submitter. Criteria: Ambry Variant Classification Scheme 2023. Collection method: clinical testing. Allele origin: germline.
Comment: The c.13439-5T>C intronic variant results from a T to C substitution 5 nucleotides upstream from coding exon 48 in the TTN gene. This nucleotide position is highly conserved in available vertebrate species. In silico splice site analysis predicts that this alteration will not have any significant effect on splicing. Since supporting evidence is limited at this time, the clinical significance of this alteration remains unclear.

Eurofins Ntd Llc (ga)
Classification: Uncertain significance. Last evaluated: 2017-11-07. Review status: criteria provided, single submitter. Criteria: EGL Classification Definitions 2015. Collection method: clinical testing. Allele origin: germline. Observed: 1 variant allele, 1 heterozygote.